The following is an entry in ClinVar:

ClinVar aggregate classification (germline): Conflicting classifications of pathogenicity. Review status: criteria provided, conflicting classifications (1 of 4 stars). 2 submissions from 2 submitters: Uncertain significance (1); Likely benign (1). Last evaluated 2025-10-26.

Conditions:
Developmental and epileptic encephalopathy, 14 (DEE14). Also called: Early infantile epileptic encephalopathy 14. Identifiers: Orphanet 293181, MedGen C3554195, MONDO:0013989, OMIM 614959.
Autosomal dominant nocturnal frontal lobe epilepsy 5. Also called: CILIARY DYSKINESIA, PRIMARY, 28, WITHOUT SITUS INVERSUS; CILIARY DYSKINESIA, PRIMARY, 28, WITH SITUS INVERSUS; Epilepsy, nocturnal frontal lobe, 5; KCNT1-Related Epilepsy. Identifiers: Orphanet 98784, MedGen C3554306, MONDO:0014002, OMIM 615005.

Allele frequency attached by ClinVar (database versions not stated): TOPMed 0.00001; gnomAD exomes 0.00003.
gnomAD v4.1: 34 of 1,430,956 alleles (0.0024%); highest among the groups gnomAD compares: East Asian, 0.0033%; no homozygotes.

Submissions (2):

Labcorp Genetics (formerly Invitae), Labcorp
Classification: Uncertain significance for Autosomal dominant nocturnal frontal lobe epilepsy 5; Developmental and epileptic encephalopathy, 14. Last evaluated: 2025-10-26. Review status: criteria provided, single submitter. Criteria: Invitae Variant Classification Sherloc (09022015). Collection method: clinical testing. Allele origin: germline.
Comment: This sequence change replaces leucine, which is neutral and non-polar, with phenylalanine, which is neutral and non-polar, at codon 46 of the KCNT1 protein (p.Leu46Phe). This variant is not present in population databases (gnomAD no frequency). This missense change has been observed in individual(s) with intellectual disability, autism spectrum disorder, speech delay, and seizures (PMID: 28554332). ClinVar contains an entry for this variant (Variation ID: 224110). Invitae Evidence Modeling of protein sequence and biophysical properties (such as structural, functional, and spatial information, amino acid conservation, physicochemical variation, residue mobility, and thermodynamic stability) indicates that this missense variant is not expected to disrupt KCNT1 protein function with a negative predictive value of 95%. In summary, the available evidence is currently insufficient to determine the role of this variant in disease. Therefore, it has been classified as a Variant of Uncertain Significance.

HudsonAlpha Institute for Biotechnology
Classification: Likely benign for Developmental and epileptic encephalopathy, 14. Last evaluated: 2018-04-16. Review status: criteria provided, single submitter. Criteria: ACMG Guidelines, 2015. Collection method: research. Allele origin: paternal. Affected: no. Observed: 1 variant allele. Study: CSER-HudsonAlpha.

Literature cited by the submitters: PubMed 28554332 (cited by Labcorp Genetics (formerly Invitae), Labcorp).

NM_020822.3(KCNT1):c.136C>T (p.Leu46Phe)

Gene: KCNT1 (potassium sodium-activated channel subfamily T member 1; plus strand). Cytogenetic location: 9q34.3.
Variant type: single nucleotide variant.
Coding change: c.136C>T on transcript NM_020822.3 (MANE Select); coding-DNA position 136, C replaced by T.
Protein change: p.Leu46Phe; replaces leucine 46 with phenylalanine.
Molecular consequence: missense variant. On other transcripts: intron variant (1).
Genome position (GRCh38, 1-based): chr9:135,714,602, C>T. VCF-style: chr9-135714602-C-T. GRCh37 (hg19) VCF-style: chr9-138606448-C-T.
Other names: c.110+12234C>T (NM_001272003.2); short protein forms L46F.
Identifiers: ClinVar variation 224110 (VCV000224110.7), dbSNP rs869312682, ClinGen allele CA354183.